The following is an entry in ClinVar:

ClinVar aggregate classification (germline): Uncertain significance (1 of 4 stars; one submission).

Allele frequency attached by ClinVar (database versions not stated): gnomAD exomes below 0.00001 and 0.00001; TOPMed below 0.00001; ExAC 0.00002.
gnomAD v4.1: 5 of 1,614,188 alleles (0.00031%); highest among the groups gnomAD compares: East Asian, 0.0089%; no homozygotes.

Submission:

Labcorp Genetics (formerly Invitae), Labcorp
Classification: Uncertain significance. Last evaluated: 2022-03-23. Review status: criteria provided, single submitter. Criteria: Invitae Variant Classification Sherloc (09022015). Collection method: clinical testing. Allele origin: germline.
Comment: In summary, the available evidence is currently insufficient to determine the role of this variant in disease. Therefore, it has been classified as a Variant of Uncertain Significance. Algorithms developed to predict the effect of missense changes on protein structure and function (SIFT, PolyPhen-2, Align-GVGD) all suggest that this variant is likely to be tolerated. ClinVar contains an entry for this variant (Variation ID: 940292). This variant has not been reported in the literature in individuals affected with VPS13D-related conditions. This variant is present in population databases (rs776025401, gnomAD 0.02%). This sequence change replaces glutamine, which is neutral and polar, with lysine, which is basic and polar, at codon 1604 of the VPS13D protein (p.Gln1604Lys).

NM_015378.4(VPS13D):c.4810C>A (p.Gln1604Lys)

Gene: VPS13D (vacuolar protein sorting 13 homolog D; plus strand). Cytogenetic location: 1p36.22.
Variant type: single nucleotide variant.
Coding change: c.4810C>A on transcript NM_015378.4 (MANE Select); coding-DNA position 4810, C replaced by A.
Protein change: p.Gln1604Lys; replaces glutamine 1604 with lysine.
Molecular consequence: missense variant.
Genome position (GRCh38, 1-based): chr1:12,282,912, C>A. VCF-style: chr1-12282912-C-A. GRCh37 (hg19) VCF-style: chr1-12342969-C-A.
Other names: c.4810C>A, p.Gln1604Lys (NM_018156.4); short protein forms Q1604K.
Identifiers: ClinVar variation 940292 (VCV000940292.9), dbSNP rs776025401, ClinGen allele CA602215.